The following is an entry in ClinVar:

NM_177550.5(SLC13A5):c.414G>A (p.Trp138Ter)

Gene: SLC13A5 (solute carrier family 13 member 5; minus strand). Cytogenetic location: 17p13.1.
Variant type: single nucleotide variant.
Coding change: c.414G>A on transcript NM_177550.5 (MANE Select); coding-DNA position 414, G replaced by A.
Protein change: p.Trp138Ter; replaces tryptophan 138 with a stop codon.
Molecular consequence: nonsense. On other transcripts: intron variant (1).
Genome position (GRCh38, 1-based): chr17:6,704,011, C>T on the plus strand (G>A on the coding strand, the complement: SLC13A5 is on the minus strand). VCF-style: chr17-6704011-C-T. GRCh37 (hg19) VCF-style: chr17-6607330-C-T.
Other names: c.414G>A, p.Trp138Ter (NM_001143838.3); c.285G>A, p.Trp95Ter (NM_001284510.2); c.369-6G>A (NM_001284509.2); short protein forms W138*, W95*.
Identifiers: ClinVar variation 2030414 (VCV002030414.4), dbSNP rs2544641047, ClinGen allele CA397750185.

ClinVar aggregate classification (germline): Pathogenic (1 of 4 stars; one submission).

Conditions:
Developmental and epileptic encephalopathy, 25 (DEE25). Also called: Epileptic encephalopathy, early infantile, 25; Developmental and epileptic encephalopathy 25, with amelogenesis imperfecta; Epileptic encephalopathy, early infantile, 25, with amelogenesis imperfecta. Identifiers: Orphanet 442835, MedGen C4014621, MONDO:0014392, OMIM 615905.

Submission:

Labcorp Genetics (formerly Invitae), Labcorp
Classification: Pathogenic for Developmental and epileptic encephalopathy, 25. Last evaluated: 2022-09-14. Review status: criteria provided, single submitter. Criteria: Invitae Variant Classification Sherloc (09022015). Collection method: clinical testing. Allele origin: germline.
Comment: This variant is not present in population databases (gnomAD no frequency). This sequence change creates a premature translational stop signal (p.Trp138*) in the SLC13A5 gene. It is expected to result in an absent or disrupted protein product. Loss-of-function variants in SLC13A5 are known to be pathogenic (PMID: 24995870, 26384929). This variant has not been reported in the literature in individuals affected with SLC13A5-related conditions. For these reasons, this variant has been classified as Pathogenic.

Literature cited by the submitters: PubMed 24995870; PubMed 26384929.